The following is an entry in ClinVar:

ClinVar aggregate classification (germline): Uncertain significance (1 of 4 stars; one submission).

Conditions:
Spondyloepimetaphyseal dysplasia with joint laxity (SEMDJL). Identifiers: MedGen C0432243, MONDO:0019675.
Ehlers-Danlos syndrome, spondylodysplastic type, 2 (EDSSPD2). Also called: Ehlers-Danlos syndrome, progeroid type, 2. Identifiers: Orphanet 536467, Orphanet 75496, MedGen C3809210, MONDO:0014139, OMIM 615349.

Allele frequency attached by ClinVar (database versions not stated): gnomAD exomes 0.00001.
gnomAD v4.1: 3 of 1,552,946 alleles (0.00019%); highest among the groups gnomAD compares: Non-Finnish European, 0.00026%; no homozygotes.

Submission:

Labcorp Genetics (formerly Invitae), Labcorp
Classification: Uncertain significance for Ehlers-Danlos syndrome, spondylodysplastic type, 2; Spondyloepimetaphyseal dysplasia with joint laxity. Last evaluated: 2022-06-13. Review status: criteria provided, single submitter. Criteria: Invitae Variant Classification Sherloc (09022015). Collection method: clinical testing. Allele origin: germline.
Comment: This sequence change replaces alanine, which is neutral and non-polar, with proline, which is neutral and non-polar, at codon 291 of the B3GALT6 protein (p.Ala291Pro). This variant is present in population databases (no rsID available, gnomAD 0.002%). This variant has not been reported in the literature in individuals affected with B3GALT6-related conditions. Algorithms developed to predict the effect of missense changes on protein structure and function (SIFT, PolyPhen-2, Align-GVGD) all suggest that this variant is likely to be tolerated. In summary, the available evidence is currently insufficient to determine the role of this variant in disease. Therefore, it has been classified as a Variant of Uncertain Significance.

NM_080605.4(B3GALT6):c.871G>C (p.Ala291Pro)

Gene: B3GALT6 (beta-1,3-galactosyltransferase 6; plus strand). Cytogenetic location: 1p36.33.
Variant type: single nucleotide variant.
Coding change: c.871G>C on transcript NM_080605.4 (MANE Select); coding-DNA position 871, G replaced by C.
Protein change: p.Ala291Pro; replaces alanine 291 with proline.
Molecular consequence: missense variant.
Genome position (GRCh38, 1-based): chr1:1,233,149, G>C. VCF-style: chr1-1233149-G-C. GRCh37 (hg19) VCF-style: chr1-1168529-G-C.
Other names: short protein forms A291P.
Identifiers: ClinVar variation 1507860 (VCV001507860.5), dbSNP rs1434211258, ClinGen allele CA337830137.
Genomic context (GRCh38, chr1:1,233,149, plus strand): 5'-TGCAGCAACCAGTACCTGGTGACGCACAAGCAGAGCCTGGAGGACATGCTGGAGAAGCAC[G>C]CGACGCTGGCGCGCGAGGGCCGCCTGTGCAAGCGCGAGGTGCAGCTGCGCCTGTCCTACG-3'
Protein context (NP_542172.2, residues 281-301): QSLEDMLEKH[Ala291Pro]TLAREGRLCK